The following is an entry in ClinVar:

NM_005548.3(KARS1):c.515T>A (p.Ile172Asn)

Gene: KARS1 (lysyl-tRNA synthetase 1; minus strand). Cytogenetic location: 16q23.1.
Variant type: single nucleotide variant.
Coding change: c.515T>A on transcript NM_005548.3 (MANE Select); coding-DNA position 515, T replaced by A.
Protein change: p.Ile172Asn; replaces isoleucine 172 with asparagine.
Molecular consequence: missense variant.
Genome position (GRCh38, 1-based): chr16:75,636,066, A>T on the plus strand (T>A on the coding strand, the complement: KARS1 is on the minus strand). VCF-style: chr16-75636066-A-T. GRCh37 (hg19) VCF-style: chr16-75669964-A-T.
Other names: c.599T>A, p.Ile200Asn (NM_001130089.2); c.47T>A, p.Ile16Asn (NM_001378148.1); c.599T>A (NM_001130089.1); short protein forms I16N, I172N, I200N.
Identifiers: ClinVar variation 1682441 (VCV001682441.5), dbSNP rs186579373, ClinGen allele CA8177588.
Genomic context (GRCh38, chr16:75,636,066, plus strand): 5'-TTGGTTTTACCAGGATTCCCCTGAACTCCAATTATGTCTCCCCGACGCAGTTTGTTATTA[A>T]TATGAATAAATTCTTCTTCTGATTTATAATTTCTGAGTGAAAAAGAAATGTAATTCAGTA-3'
Protein context (NP_005539.1, residues 162-182): NYKSEEEFIH[Ile172Asn]NNKLRRGDII

ClinVar aggregate classification (germline): Uncertain significance. Review status: criteria provided, multiple submitters, no conflicts (2 of 4 stars). 2 submissions from 2 submitters: Uncertain significance (2). Last evaluated 2024-03-25.

Allele frequency attached by ClinVar (database versions not stated): gnomAD exomes below 0.00001 and 0.00002; ExAC 0.00004; TOPMed 0.00006; ESP Exome Variant Server 0.00008; gnomAD 0.00011; 1000 Genomes Project 30x 0.00047; 1000 Genomes Project 0.00060.
gnomAD v4.1: 20 of 1,600,116 alleles (0.0012%); highest among the groups gnomAD compares: African/African-American, 0.027%; no homozygotes.

Submissions (2):

Ambry Genetics
Classification: Uncertain significance. Last evaluated: 2024-03-25. Review status: criteria provided, single submitter. Criteria: Ambry Variant Classification Scheme 2023. Collection method: clinical testing. Allele origin: germline.

Labcorp Genetics (formerly Invitae), Labcorp
Classification: Uncertain significance. Last evaluated: 2022-01-26. Review status: criteria provided, single submitter. Criteria: Invitae Variant Classification Sherloc (09022015). Collection method: clinical testing. Allele origin: germline.
Comment: In summary, the available evidence is currently insufficient to determine the role of this variant in disease. Therefore, it has been classified as a Variant of Uncertain Significance. Algorithms developed to predict the effect of missense changes on protein structure and function are either unavailable or do not agree on the potential impact of this missense change (SIFT: "Deleterious"; PolyPhen-2: "Possibly Damaging"; Align-GVGD: "Class C0"). This variant has not been reported in the literature in individuals affected with KARS-related conditions. This variant is present in population databases (rs186579373, gnomAD 0.04%). This sequence change replaces isoleucine, which is neutral and non-polar, with asparagine, which is neutral and polar, at codon 200 of the KARS protein (p.Ile200Asn).